The following is an entry in ClinVar:

ClinVar aggregate classification (germline): Benign/Likely benign. Review status: criteria provided, multiple submitters, no conflicts (2 of 4 stars). 3 submissions from 3 submitters: Benign (1); Likely benign (1). 1 of the submissions does not count toward it. Last evaluated 2021-11-05.

Conditions:
ADCY1-related disorder. Also called: ADCY1-related condition.

Allele frequency attached by ClinVar (database versions not stated): gnomAD exomes 0.00050 and 0.00024; ExAC 0.00062; 1000 Genomes Project 0.00100; 1000 Genomes Project 30x 0.00109; TOPMed 0.00003; gnomAD 0.00010 and 0.00001.
gnomAD v4.1: 372 of 1,614,048 alleles (0.023%); highest among the groups gnomAD compares: South Asian, 0.38%; 4 homozygotes.

Submissions (3):

Labcorp Genetics (formerly Invitae), Labcorp
Classification: Benign. Last evaluated: 2021-11-05. Review status: criteria provided, single submitter. Criteria: Invitae Variant Classification Sherloc (09022015). Collection method: clinical testing. Allele origin: germline.

Breakthrough Genomics
Classification: Likely benign. Review status: criteria provided, single submitter. Criteria: ACMG Guidelines, 2015. Collection method: not provided. Allele origin: germline. Inheritance: Autosomal recessive inheritance. Affected: yes.

PreventionGenetics, part of Exact Sciences
Classification: Likely benign for ADCY1-related condition. Last evaluated: 2024-01-03. Review status: no assertion criteria provided. Collection method: clinical testing. Allele origin: germline. Not counted in ClinVar's aggregate classification.
Comment: This variant is classified as likely benign based on ACMG/AMP sequence variant interpretation guidelines (Richards et al. 2015 PMID: 25741868, with internal and published modifications).

NM_021116.4(ADCY1):c.1449+8C>T

Gene: ADCY1 (adenylate cyclase 1; plus strand). Cytogenetic location: 7p12.3.
Variant type: single nucleotide variant.
Coding change: c.1449+8C>T on transcript NM_021116.4 (MANE Select); 8 bases into the intron after coding-DNA position 1449, C replaced by T.
Molecular consequence: intron variant.
Genome position (GRCh38, 1-based): chr7:45,660,191, C>T. VCF-style: chr7-45660191-C-T. GRCh37 (hg19) VCF-style: chr7-45699790-C-T.
Other names: c.1449+8C>T (NM_021116.2); c.774+8C>T (NM_001281768.2).
Identifiers: ClinVar variation 1624580 (VCV001624580.11), dbSNP rs545478777, ClinGen allele CA4248943.